The following is an entry in ClinVar:

NM_001042432.2(CLN3):c.954_962+18del

Gene: CLN3 (CLN3 lysosomal/endosomal transmembrane protein, battenin; minus strand). Cytogenetic location: 16p12.1.
Variant type: Deletion.
Coding change: c.954_962+18del on transcript NM_001042432.2 (MANE Select); coding-DNA position 954 through 18 bases into the intron after coding-DNA position 962, 27 bases deleted (ATACCGCTGGTAAGAGGAGCGAGGGCA).
Molecular consequence: splice donor variant.
Genome position (GRCh38, 1-based): chr16:28,482,309-28,482,335, TGCCCTCGCTCCTCTTACCAGCGGTAT deleted on the plus strand (ATACCGCTGGTAAGAGGAGCGAGGGCA on the coding strand, the reverse complement: CLN3 is on the minus strand); deleting any 27 consecutive bases within chr16:28,482,309-28,482,338 gives the same sequence; the c. name uses the placement nearest the transcript's 3' end. VCF-style (leftmost placement, unchanged base first): chr16-28482308-CTGCCCTCGCTCCTCTTACCAGCGGTAT-C. GRCh37 (hg19) VCF-style: chr16-28493629-CTGCCCTCGCTCCTCTTACCAGCGGTAT-C.
Other names: c.954_962+18del27 (NM_001042432.1); c.720_728+18del (NM_001286109.2); c.882_890+18del (NM_001286104.2); c.654_662+18del (NM_001286105.2); c.792_800+18del (NM_001286110.2); c.954_962+18del (NM_000086.2); c.954_962+18delATACCGCTGGTAAGAGGAGCGAGGGCA (NM_000086.2).
Identifiers: ClinVar variation 56293 (VCV000056293.43), dbSNP rs386833741, ClinGen allele CA263737.

ClinVar aggregate classification (germline): Pathogenic/Likely pathogenic. Review status: criteria provided, multiple submitters, no conflicts (2 of 4 stars). 9 submissions from 9 submitters: Pathogenic (6); Likely pathogenic (2). 1 of the submissions does not count toward it. Last evaluated 2025-11-19.

Conditions:
CLN3-related disorders.
Juvenile neuronal ceroid lipofuscinosis. Also called: Batten Disease. Identifiers: Orphanet 79264, MedGen CN293564, MONDO:0019262.
Inborn genetic diseases. Identifiers: MedGen C0950123, MeSH D030342.
Neuronal ceroid lipofuscinosis. Also called: Neuronal Ceroid Lipofuscinoses. Identifiers: Orphanet 216, Orphanet 79263, MedGen C0027877, MONDO:0016295. Disease mechanism: loss of function.
Neuronal ceroid lipofuscinosis 3 (CLN3). Identifiers: Orphanet 228346, MedGen C0751383, MONDO:0008767, OMIM 204200.

Submissions (9):

Labcorp Genetics (formerly Invitae), Labcorp
Classification: Pathogenic for Neuronal ceroid lipofuscinosis. Last evaluated: 2025-11-19. Review status: criteria provided, single submitter. Criteria: Invitae Variant Classification Sherloc (09022015). Collection method: clinical testing. Allele origin: germline.
Comment: This variant results in the deletion of part of exon 13 (c.954_962+18del) of the CLN3 gene. It is expected to disrupt RNA splicing. Variants that disrupt the donor or acceptor splice site typically lead to a loss of protein function (PMID: 16199547), and loss-of-function variants in CLN3 are known to be pathogenic (PMID: 9311735, 28542676). This variant is present in population databases (rs386833741, gnomAD 0.002%). This variant has been observed in individuals with CLN3-related conditions (PMID: 21990111). ClinVar contains an entry for this variant (Variation ID: 56293). For these reasons, this variant has been classified as Pathogenic.

Natera, Inc.
Classification: Pathogenic for Batten Disease. Last evaluated: 2024-09-28. Review status: criteria provided, single submitter. Criteria: Natera Variant Classification Schema (03/2026). Collection method: clinical testing. Allele origin: germline.
Comment: The c.954_962+18delATACCGCTGGTAAGAGGAGCGAGGGCA variant in CLN3 is a deletion affecting a canonical splice donor site and part of an exon. This variant is expected to result in nonsense mediated decay, truncation, or a dysfunctional protein product. This variant is rare in the general population with a frequency below the threshold expected for the associated phenotype(s). This variant has been observed in one or more individuals affected with the associated recessive disease, as either homozygous or compound heterozygous with a second variant (PMID: 27290639, 36576693). Additionally, this variant has been observed to segregate in affected family members (PMID: 36576693). Given the available evidence, this variant is classified as Pathogenic.

Fulgent Genetics
Classification: Likely pathogenic for Neuronal ceroid lipofuscinosis 3. Last evaluated: 2024-05-31. Review status: criteria provided, single submitter. Criteria: ACMG Guidelines, 2015. Collection method: clinical testing. Allele origin: germline.

CeGaT Center for Human Genetics Tuebingen
Classification: Pathogenic. Last evaluated: 2024-03-01. Review status: criteria provided, single submitter. Criteria: CeGaT Center For Human Genetics Tuebingen Variant Classification Criteria Version 2. Collection method: clinical testing. Allele origin: germline. Affected: yes. Observed: 4 variant alleles.
Comment: CLN3: PVS1, PM2, PM3

Baylor Genetics
Classification: Pathogenic for Neuronal ceroid lipofuscinosis 3. Last evaluated: 2023-11-07. Review status: criteria provided, single submitter. Criteria: ACMG Guidelines, 2015. Collection method: clinical testing. Allele origin: unknown.

Women's Health and Genetics/Laboratory Corporation of America, LabCorp
Classification: Likely pathogenic for Neuronal ceroid lipofuscinosis. Last evaluated: 2021-12-17. Review status: criteria provided, single submitter. Criteria: LabCorp Variant Classification Summary - May 2015. Collection method: clinical testing. Allele origin: germline.
Comment: Variant summary: CLN3 c.954_962+18del27 is located in a canonical splice-site and is predicted to affect mRNA splicing resulting in a significantly altered protein due to either exon skipping, shortening, or inclusion of intronic material. Several computational tools predict a significant impact on normal splicing: Four predict the variant abolishes a canonical 5' splicing donor site. However, these predictions have yet to be confirmed by functional studies. The variant allele was found at a frequency of 8e-06 in 248612 control chromosomes (gnomAD). c.954_962+18del27 has been reported in the literature in individuals affected with Juvenile Neuronal Ceroid-Lipofuscinosis (Juvenile Batten Disease) (examples: Kwon_2011 and Pronicka_2016). These data indicate that the variant may be associated with disease. To our knowledge, no experimental evidence demonstrating an impact on protein function has been reported. One clinical diagnostic laboratory has submitted clinical-significance assessments for this variant to ClinVar after 2014 and classified the variant as pathogenic. Based on the evidence outlined above, the variant was classified as likely pathogenic.

Ambry Genetics
Classification: Pathogenic for Inborn genetic diseases. Last evaluated: 2020-02-12. Review status: criteria provided, single submitter. Criteria: Ambry Variant Classification Scheme 2023. Collection method: clinical testing. Allele origin: germline.
Comment: The c.954_962+18del27 pathogenic mutation results from a deletion of 27 nucleotides spanning across the splice donor site after coding exon 12 in the CLN3 gene. In addition, this mutation was detected in three individuals with neuronal ceroid lipofuscinosis, two of whom had a second pathogenic mutation (the phase is unknown) (Kousi M et al. Hum. Mutat., 2012 Jan;33:42-63). Using the BDGP and ESEfinder splice site prediction tools, this alteration is predicted to abolish the native splice donor site; however, direct evidence is unavailable. Alterations that disrupt the canonical splice site are expected to cause aberrant splicing, resulting in an abnormal protein or a transcript that is subject to nonsense-mediated mRNA decay. As such, this alteration is classified as a disease-causing mutation.

Blueprint Genetics
Classification: Pathogenic for CLN3-related disorders. Last evaluated: 2019-06-16. Review status: criteria provided, single submitter. Criteria: ACMG Guidelines, 2015. Collection method: clinical testing. Allele origin: germline. Affected: yes. Observed: 1 variant allele.

Juha Muilu Group; Institute for Molecular Medicine Finland (FIMM)
Classification: Likely pathogenic for Juvenile neuronal ceroid lipofuscinosis. Review status: no assertion criteria provided. Collection method: not provided. Allele origin: unknown. Not counted in ClinVar's aggregate classification.
Comment: FinDis database variant: This variant was not found or characterized by our laboratory, data were collected from public sources: see reference
ClinVar note: Converted during submission from probable-pathogenic to Likely pathogenic.

Literature cited by the submitters: PubMed 16199547 (cited by Labcorp Genetics (formerly Invitae), Labcorp); PubMed 9311735 (cited by Labcorp Genetics (formerly Invitae), Labcorp); PubMed 28542676 (cited by Labcorp Genetics (formerly Invitae), Labcorp); PubMed 21990111 (cited by 3 submitters); PubMed 27290639 (cited by Natera, Inc. and Women's Health and Genetics/Laboratory Corporation of America, LabCorp); PubMed 36576693 (cited by Natera, Inc.); PubMed 22013180 (cited by Women's Health and Genetics/Laboratory Corporation of America, LabCorp).